The following is an entry in ClinVar:

NM_000548.5(TSC2):c.769del (p.Trp257fs)

Gene: TSC2 (TSC complex subunit 2; plus strand). Cytogenetic location: 16p13.3.
Variant type: Deletion.
Coding change: c.769del on transcript NM_000548.5 (MANE Select); coding-DNA position 769, one base deleted (T; older notation c.769delT).
Protein change: p.Trp257fs; shifts the reading frame from tryptophan 257.
Molecular consequence: frameshift variant.
Genome position (GRCh38, 1-based): chr16:2,056,764, T deleted. VCF-style (leftmost placement, unchanged base first): chr16-2056763-CT-C. GRCh37 (hg19) VCF-style: chr16-2106764-CT-C.
Other names: c.769del, p.Trp257fs (NM_001077183.3, NM_001114382.3, NM_001363528.2 and 3 more transcripts); c.658del, p.Trp220fs (NM_001318827.2); c.622del, p.Trp208fs (NM_001318829.2); c.169del, p.Trp57fs (NM_001318831.2); c.802del, p.Trp268fs (NM_001318832.2); short protein forms W220fs, W257fs, W57fs, W208fs, W268fs.
Identifiers: ClinVar variation 941960 (VCV000941960.7), dbSNP rs2085898708, ClinGen allele CA1139664330.

ClinVar aggregate classification (germline): Pathogenic (1 of 4 stars; one submission).

Conditions:
Tuberous sclerosis 2 (TSC2). Identifiers: Orphanet 805, MedGen C1860707, MONDO:0013199, OMIM 613254.

Submission:

Labcorp Genetics (formerly Invitae), Labcorp
Classification: Pathogenic for Tuberous sclerosis 2. Last evaluated: 2019-09-25. Review status: criteria provided, single submitter. Criteria: Invitae Variant Classification Sherloc (09022015). Collection method: clinical testing. Allele origin: germline.
Comment: For these reasons, this variant has been classified as Pathogenic. Loss-of-function variants in TSC2 are known to be pathogenic (PMID: 10205261, 17304050). This variant has not been reported in the literature in individuals with TSC2-related conditions. This variant is not present in population databases (ExAC no frequency). This sequence change creates a premature translational stop signal (p.Trp257Glyfs*3) in the TSC2 gene. It is expected to result in an absent or disrupted protein product.

Literature cited by the submitters: PubMed 10205261; PubMed 17304050.